The following is an entry in ClinVar:

ClinVar aggregate classification (germline): Pathogenic (1 of 4 stars; one submission).

Conditions:
Autosomal recessive nonsyndromic hearing loss 9. Also called: NEUROSENSORY NONSYNDROMIC RECESSIVE DEAFNESS 9; OTOF-Related Hearing Loss; Deafness, autosomal recessive 9; AUDITORY NEUROPATHY, AUTOSOMAL RECESSIVE, 1, TEMPERATURE-SENSITIVE. Identifiers: Orphanet 90636, MedGen C1832828, MONDO:0010986, OMIM 601071.

Submission:

Institute of Rare Diseases, West China Hospital, Sichuan University
Classification: Pathogenic for Autosomal recessive nonsyndromic hearing loss 9. Last evaluated: 2025-01-09. Review status: criteria provided, single submitter. Criteria: ClinGen HL ACMG Specifications v1. Collection method: research. Allele origin: germline. Affected: yes.
Comment: PVS1;PM3_Supporting;PM2_Supporting

NM_194248.3(OTOF):c.3993_3996del (p.Lys1331fs)

Gene: OTOF (otoferlin; minus strand). Cytogenetic location: 2p23.3.
Variant type: Deletion.
Coding change: c.3993_3996del on transcript NM_194248.3 (MANE Select); coding-DNA positions 3993 to 3996, 4 bases deleted (GTAC; older notation c.3993_3996delGTAC).
Protein change: p.Lys1331fs; shifts the reading frame from lysine 1331.
Molecular consequence: frameshift variant.
Genome position (GRCh38, 1-based): chr2:26,470,620-26,470,623, GTAC deleted on the plus strand (GTAC on the coding strand, the reverse complement: OTOF is on the minus strand). VCF-style (leftmost placement, unchanged base first): chr2-26470619-AGTAC-A. GRCh37 (hg19) VCF-style: chr2-26693487-AGTAC-A.
Other names: c.3993_3996del, p.Lys1331fs (NM_001287489.2); c.1692_1695del, p.Lys564fs (NM_004802.4, NM_194323.3); c.1923_1926del, p.Lys641fs (NM_194322.3); short protein forms K1331fs, K564fs, K641fs.
Identifiers: ClinVar variation 3601539 (VCV003601539.1).